The following is an entry in ClinVar:

ClinVar aggregate classification (germline): Likely pathogenic (1 of 4 stars; one submission).

Submission:

GeneDx
Classification: Likely pathogenic. Last evaluated: 2024-02-06. Review status: criteria provided, single submitter. Criteria: GeneDx Variant Classification Process June 2021. Collection method: clinical testing. Allele origin: germline. Affected: yes.
Comment: Nonsense variant predicted to result in protein truncation or nonsense mediated decay in a gene for which loss-of-function is a known mechanism of disease; Not observed at significant frequency in large population cohorts (gnomAD); Has not been previously published as pathogenic or benign to our knowledge

NM_001042681.2(RERE):c.61C>T (p.Arg21Ter)

Gene: RERE (arginine-glutamic acid dipeptide repeats; minus strand). Cytogenetic location: 1p36.23.
Variant type: single nucleotide variant.
Coding change: c.61C>T on transcript NM_001042681.2 (MANE Select); coding-DNA position 61, C replaced by T.
Protein change: p.Arg21Ter; replaces arginine 21 with a stop codon.
Molecular consequence: nonsense.
Genome position (GRCh38, 1-based): chr1:8,656,237, G>A on the plus strand (C>T on the coding strand, the complement: RERE is on the minus strand). VCF-style: chr1-8656237-G-A. GRCh37 (hg19) VCF-style: chr1-8716296-G-A.
Other names: c.61C>T, p.Arg21Ter (NM_012102.4); short protein forms R21*.
Identifiers: ClinVar variation 3342350 (VCV003342350.1).